The following is an entry in ClinVar:

NM_001371727.1(GABRB2):c.97A>G (p.Met33Val)

Gene: GABRB2 (gamma-aminobutyric acid type A receptor subunit beta2; minus strand). Cytogenetic location: 5q34.
Variant type: single nucleotide variant.
Coding change: c.97A>G on transcript NM_001371727.1 (MANE Select); coding-DNA position 97, A replaced by G.
Protein change: p.Met33Val; replaces methionine 33 with valine.
Molecular consequence: missense variant.
Genome position (GRCh38, 1-based): chr5:161,546,394, T>C on the plus strand (A>G on the coding strand, the complement: GABRB2 is on the minus strand). VCF-style: chr5-161546394-T-C. GRCh37 (hg19) VCF-style: chr5-160973400-T-C.
Other names: c.97A>G, p.Met33Val (NM_000813.3, NM_021911.3); short protein forms M33V.
Identifiers: ClinVar variation 3097828 (VCV003097828.3), dbSNP rs1760986941, ClinGen allele CA362172749.

ClinVar aggregate classification (germline): Uncertain significance. Review status: criteria provided, multiple submitters, no conflicts (2 of 4 stars). 2 submissions from 2 submitters: Uncertain significance (2). Last evaluated 2026-09-15.

Conditions:
GABRB2-related disorder. Also called: GABRB2-related condition.
Inborn genetic diseases. Identifiers: MedGen C0950123, MeSH D030342.

Allele frequency attached by ClinVar (database versions not stated): TOPMed 0.00005.
gnomAD v4.1: 1 of 1,614,010 alleles (0.000062%); no homozygotes.

Submissions (2):

PreventionGenetics, part of Exact Sciences
Classification: Uncertain significance for GABRB2-related condition. Last evaluated: 2026-09-15. Review status: criteria provided, single submitter. Criteria: ACMG Guidelines, 2015. Collection method: clinical testing. Allele origin: germline.
Comment: The GABRB2 c.97A>G variant is predicted to result in the amino acid substitution p.Met33Val. To our knowledge, this variant has not been reported in the literature or in a large population database (gnomAD), indicating this variant is rare. At this time, the clinical significance of this variant is uncertain due to the absence of conclusive functional and genetic evidence.

Ambry Genetics
Classification: Uncertain significance for Inborn genetic diseases. Last evaluated: 2026-05-05. Review status: criteria provided, single submitter. Criteria: Ambry Variant Classification Scheme 2023. Collection method: clinical testing. Allele origin: germline.